The following is an entry in ClinVar:

ClinVar aggregate classification (germline): Uncertain significance. Review status: criteria provided, multiple submitters, no conflicts (2 of 4 stars). 3 submissions from 3 submitters: Uncertain significance (3). Last evaluated 2025-11-24.

Conditions:
Progressive sclerosing poliodystrophy (MTDPS4A). Also called: ALPERS DIFFUSE DEGENERATION OF CEREBRAL GRAY MATTER WITH HEPATIC CIRRHOSIS; Alpers-Huttenlocher Syndrome; Mitochondrial DNA Depletion Syndrome 4A; NEURONAL DEGENERATION OF CHILDHOOD WITH LIVER DISEASE, PROGRESSIVE; Mitochondrial DNA depletion syndrome 4A (Alpers type); Alpers Syndrome. Identifiers: Orphanet 726, MedGen C0205710, MONDO:0008758, OMIM 203700.

Allele frequency attached by ClinVar (database versions not stated): ExAC 0.00001; gnomAD exomes 0.00002 and 0.00004; gnomAD 0.00003; TOPMed 0.00003; 1000 Genomes Project 30x 0.00016; 1000 Genomes Project 0.00020.
gnomAD v4.1: 68 of 1,613,506 alleles (0.0042%); highest among the groups gnomAD compares: Non-Finnish European, 0.0054%; no homozygotes.

Submissions (3):

Labcorp Genetics (formerly Invitae), Labcorp
Classification: Uncertain significance for Progressive sclerosing poliodystrophy. Last evaluated: 2025-11-24. Review status: criteria provided, single submitter. Criteria: Invitae Variant Classification Sherloc (09022015). Collection method: clinical testing. Allele origin: germline.
Comment: This sequence change replaces alanine, which is neutral and non-polar, with threonine, which is neutral and polar, at codon 987 of the POLG protein (p.Ala987Thr). This variant is present in population databases (rs200258601, gnomAD 0.006%). This variant has not been reported in the literature in individuals affected with POLG-related conditions. ClinVar contains an entry for this variant (Variation ID: 857548). Invitae Evidence Modeling of protein sequence and biophysical properties (such as structural, functional, and spatial information, amino acid conservation, physicochemical variation, residue mobility, and thermodynamic stability) has been performed for this missense variant. However, the output from this modeling did not meet the statistical confidence thresholds required to predict the impact of this variant on POLG protein function. In summary, the available evidence is currently insufficient to determine the role of this variant in disease. Therefore, it has been classified as a Variant of Uncertain Significance.

GeneDx
Classification: Uncertain significance. Last evaluated: 2024-04-10. Review status: criteria provided, single submitter. Criteria: GeneDx Variant Classification Process June 2021. Collection method: clinical testing. Allele origin: germline. Affected: yes.
Comment: Not observed at significant frequency in large population cohorts (gnomAD); In silico analysis indicates that this missense variant does not alter protein structure/function; In silico analysis is inconclusive as to whether the variant alters gene splicing. In the absence of RNA/functional studies, the actual effect of this sequence change is unknown.; Has not been previously published as pathogenic or benign to our knowledge

Blueprint Genetics
Classification: Uncertain significance. Last evaluated: 2022-04-28. Review status: criteria provided, single submitter. Criteria: ACMG Guidelines, 2015. Collection method: clinical testing. Allele origin: germline.

NM_002693.3(POLG):c.2959G>A (p.Ala987Thr)

Gene: POLG (DNA polymerase gamma, catalytic subunit; minus strand). Cytogenetic location: 15q26.1.
Variant type: single nucleotide variant.
Coding change: c.2959G>A on transcript NM_002693.3 (MANE Select); coding-DNA position 2959, G replaced by A.
Protein change: p.Ala987Thr; replaces alanine 987 with threonine.
Molecular consequence: missense variant.
Genome position (GRCh38, 1-based): chr15:89,320,788, C>T on the plus strand (G>A on the coding strand, the complement: POLG is on the minus strand). VCF-style: chr15-89320788-C-T. GRCh37 (hg19) VCF-style: chr15-89864019-C-T.
Other names: c.2959G>A, p.Ala987Thr (NM_001126131.2); short protein forms A987T.
Identifiers: ClinVar variation 857548 (VCV000857548.12), dbSNP rs200258601, ClinGen allele CA7724317.